The following is an entry in ClinVar:

NM_001267550.2(TTN):c.26469G>A (p.Thr8823=)

Gene: TTN (titin; minus strand). Cytogenetic location: 2q31.2.
Variant type: single nucleotide variant.
Coding change: c.26469G>A on transcript NM_001267550.2 (MANE Select); coding-DNA position 26469, G replaced by A.
Protein change: p.Thr8823=; no amino-acid change (threonine 8823 retained).
Molecular consequence: synonymous variant. On other transcripts: intron variant (3).
Genome position (GRCh38, 1-based): chr2:178,714,305, C>T on the plus strand (G>A on the coding strand, the complement: TTN is on the minus strand). VCF-style: chr2-178714305-C-T. GRCh37 (hg19) VCF-style: chr2-179579032-C-T.
Other names: c.25518G>A, p.Thr8506= (NM_001256850.1); c.22737G>A, p.Thr7579= (NM_133378.4); c.13282+23777G>A (NM_003319.4); c.13858+23777G>A (NM_133437.4); c.13657+23777G>A (NM_133432.3).
Identifiers: ClinVar variation 766585 (VCV000766585.33), dbSNP rs775381639, ClinGen allele CA430285123.

ClinVar aggregate classification (germline): Likely benign. Review status: criteria provided, multiple submitters, no conflicts (2 of 4 stars). 3 submissions from 3 submitters: Likely benign (3). Last evaluated 2024-08-31.

Conditions:
Dilated cardiomyopathy 1G (CMD1G). Identifiers: Orphanet 154, MedGen C1858763, MONDO:0011400, OMIM 604145.
Autosomal recessive limb-girdle muscular dystrophy type 2J (LGMDR10). Also called: MUSCULAR DYSTROPHY, LIMB-GIRDLE, AUTOSOMAL RECESSIVE 10; Limb-girdle muscular dystrophy, type 2J. Identifiers: Orphanet 140922, MedGen C1837342, MONDO:0012127, OMIM 608807.

gnomAD v4.1: 5 of 1,612,372 alleles (0.00031%); highest among the groups gnomAD compares: African/African-American, 0.0013%; no homozygotes.

Submissions (3):

Labcorp Genetics (formerly Invitae), Labcorp
Classification: Likely benign for Dilated cardiomyopathy 1G; Autosomal recessive limb-girdle muscular dystrophy type 2J. Last evaluated: 2024-08-31. Review status: criteria provided, single submitter. Criteria: Invitae Variant Classification Sherloc (09022015). Collection method: clinical testing. Allele origin: germline.

CeGaT Center for Human Genetics Tuebingen
Classification: Likely benign. Last evaluated: 2023-01-01. Review status: criteria provided, single submitter. Criteria: CeGaT Center For Human Genetics Tuebingen Variant Classification Criteria Version 2. Collection method: clinical testing. Allele origin: germline. Affected: yes. Observed: 1 variant allele.
Comment: TTN: PM2:Supporting, BP4, BP7

Blueprint Genetics
Classification: Likely benign. Last evaluated: 2022-07-01. Review status: criteria provided, single submitter. Criteria: ACMG Guidelines, 2015. Collection method: clinical testing. Allele origin: germline.